The following is an entry in ClinVar:

ClinVar aggregate classification (germline): Uncertain significance. Review status: criteria provided, multiple submitters, no conflicts (2 of 4 stars). 5 submissions from 5 submitters: Uncertain significance (5). Last evaluated 2026-09-10.

Conditions:
Developmental and epileptic encephalopathy, 18 (DEE18). Also called: Early infantile epileptic encephalopathy 18. Identifiers: Orphanet 369894, MedGen C3809624, MONDO:0014201, OMIM 615476.
Inborn genetic diseases. Identifiers: MedGen C0950123, MeSH D030342.

Allele frequency attached by ClinVar (database versions not stated): gnomAD below 0.00001 and 0.00002; TOPMed 0.00001; ESP Exome Variant Server 0.00008.
gnomAD v4.1: 77 of 1,613,820 alleles (0.0048%); highest among the groups gnomAD compares: South Asian, 0.032%; 1 homozygote.

Submissions (5):

GeneDx
Classification: Uncertain significance. Last evaluated: 2026-09-10. Review status: criteria provided, single submitter. Criteria: GeneDx Variant Classification Process June 2021. Collection method: clinical testing. Allele origin: germline.
Comment: In silico analysis supports that this missense variant has a deleterious effect on protein structure/function; Has not been previously published as pathogenic or benign to our knowledge

Ambry Genetics
Classification: Uncertain significance for Inborn genetic diseases. Last evaluated: 2023-11-27. Review status: criteria provided, single submitter. Criteria: Ambry Variant Classification Scheme 2023. Collection method: clinical testing. Allele origin: germline.

Genome-Nilou Lab
Classification: Uncertain significance for Developmental and epileptic encephalopathy, 18. Last evaluated: 2023-04-11. Review status: criteria provided, single submitter. Criteria: ACMG Guidelines, 2015. Collection method: clinical testing. Allele origin: germline. Affected: no.

Baylor Genetics
Classification: Uncertain significance for Developmental and epileptic encephalopathy, 18. Last evaluated: 2023-03-31. Review status: criteria provided, single submitter. Criteria: ACMG Guidelines, 2015. Collection method: clinical testing. Allele origin: unknown.

Labcorp Genetics (formerly Invitae), Labcorp
Classification: Uncertain significance. Last evaluated: 2023-02-06. Review status: criteria provided, single submitter. Criteria: Invitae Variant Classification Sherloc (09022015). Collection method: clinical testing. Allele origin: germline.
Comment: This variant is present in population databases (rs370833658, gnomAD 0.03%). This sequence change replaces arginine, which is basic and polar, with cysteine, which is neutral and slightly polar, at codon 1870 of the SZT2 protein (p.Arg1870Cys). This variant has not been reported in the literature in individuals affected with SZT2-related conditions. In summary, the available evidence is currently insufficient to determine the role of this variant in disease. Therefore, it has been classified as a Variant of Uncertain Significance. Advanced modeling of protein sequence and biophysical properties (such as structural, functional, and spatial information, amino acid conservation, physicochemical variation, residue mobility, and thermodynamic stability) performed at Invitae indicates that this missense variant is expected to disrupt SZT2 protein function. ClinVar contains an entry for this variant (Variation ID: 955815).

NM_001365999.1(SZT2):c.5779C>T (p.Arg1927Cys)

Gene: SZT2 (SZT2 subunit of KICSTOR complex; plus strand). Cytogenetic location: 1p34.2.
Variant type: single nucleotide variant.
Coding change: c.5779C>T on transcript NM_001365999.1 (MANE Select); coding-DNA position 5779, C replaced by T.
Protein change: p.Arg1927Cys; replaces arginine 1927 with cysteine.
Molecular consequence: missense variant.
Genome position (GRCh38, 1-based): chr1:43,433,165, C>T. VCF-style: chr1-43433165-C-T. GRCh37 (hg19) VCF-style: chr1-43898836-C-T.
Other names: c.5608C>T, p.Arg1870Cys (NM_015284.4); short protein forms R1870C, R1927C.
Identifiers: ClinVar variation 955815 (VCV000955815.14), dbSNP rs370833658, ClinGen allele CA809687.
Genomic context (GRCh38, chr1:43,433,165, plus strand): 5'-TCAGGCCTCCCTGGGCCCTGCCTGCCTGACTTCTGGCTCATTGTCCGGGTCCTGCAGGAC[C>T]GTGTGGAAGTGTATGCACATGCACGGTAAGTAGAAGCCAGGGCCTGCACCCTCATGCTCC-3'
Protein context (NP_001352928.1, residues 1917-1937): FWLIVRVLQD[Arg1927Cys]VEVYAHARSL